The following is an entry in ClinVar:

ClinVar aggregate classification (germline): Uncertain significance (1 of 4 stars; one submission).

Conditions:
Hereditary cancer-predisposing syndrome. Also called: Neoplastic Syndromes, Hereditary; Tumor predisposition; Hereditary neoplastic syndrome; Hereditary Cancer Syndrome. Identifiers: Orphanet 140162, MedGen C0027672, MeSH D009386, MONDO:0015356.

Submission:

Ambry Genetics
Classification: Uncertain significance for Hereditary cancer-predisposing syndrome. Last evaluated: 2023-12-14. Review status: criteria provided, single submitter. Criteria: Ambry Variant Classification Scheme 2023. Collection method: clinical testing. Allele origin: germline.
Comment: The p.V276G variant (also known as c.827T>G), located in coding exon 4 of the RET gene, results from a T to G substitution at nucleotide position 827. The valine at codon 276 is replaced by glycine, an amino acid with dissimilar properties. This amino acid position is conserved. In addition, this alteration is predicted to be tolerated by in silico analysis. Since supporting evidence is limited at this time, the clinical significance of this alteration remains unclear.

NM_020975.6(RET):c.827T>G (p.Val276Gly)

Gene: RET (ret proto-oncogene; plus strand). Cytogenetic location: 10q11.21.
Variant type: single nucleotide variant.
Coding change: c.827T>G on transcript NM_020975.6 (MANE Select); coding-DNA position 827, T replaced by G.
Protein change: p.Val276Gly; replaces valine 276 with glycine.
Molecular consequence: missense variant. On other transcripts: intron variant (22).
Genome position (GRCh38, 1-based): chr10:43,105,153, T>G. VCF-style: chr10-43105153-T-G. GRCh37 (hg19) VCF-style: chr10-43600601-T-G.
Other names: c.827T>G, p.Val276Gly (NM_000323.2, NM_001406743.1, NM_001406744.1 and 8 more transcripts); c.65T>G, p.Val22Gly (NM_001355216.2); c.698T>G, p.Val233Gly (NM_001406761.1, NM_001406762.1, NM_001406764.1 and 2 more transcripts); c.539T>G, p.Val180Gly (NM_001406766.1, NM_001406767.1, NM_001406770.1); c.625+2524T>G (NM_001406773.1, NM_001406771.1, NM_001406782.1 and 5 more transcripts); c.496+2524T>G (NM_001406786.1, NM_001406783.1); c.338-3878T>G (NM_001406778.1, NM_001406775.1, NM_001406776.1 and 1 more transcripts); c.337+4431T>G (NM_001406790.1, NM_001406788.1, NM_001406789.1 and 1 more transcripts); and 2 more; short protein forms V180G, V22G, V233G, V276G.
Identifiers: ClinVar variation 3227572 (VCV003227572.1), dbSNP rs2132708480, ClinGen allele CA376545233.